The following is an entry in ClinVar:

ClinVar aggregate classification (germline): Uncertain significance (1 of 4 stars; one submission).

Conditions:
Desmin-related myofibrillar myopathy (MFM1). Also called: MYOFIBRILLAR MYOPATHY WITH ARRHYTHMOGENIC RIGHT VENTRICULAR CARDIOMYOPATHY; DESMIN-RELATED MYOPATHY WITH ARRHYTHMOGENIC RIGHT VENTRICULAR CARDIOMYOPATHY; Desminopathy; Desmin related myopathy (former name); Desmin storage myopathy (former name); Myofibrillar myopathy 1. Identifiers: Orphanet 363543, Orphanet 98909, MedGen C1832370, MONDO:0011076, OMIM 601419.

gnomAD v4.1: 1 of 1,562,582 alleles (0.000064%); highest among the groups gnomAD compares: Non-Finnish European, 0.000087%; no homozygotes.

Submission:

Labcorp Genetics (formerly Invitae), Labcorp
Classification: Uncertain significance for Desmin-related myofibrillar myopathy. Last evaluated: 2024-07-25. Review status: criteria provided, single submitter. Criteria: Invitae Variant Classification Sherloc (09022015). Collection method: clinical testing. Allele origin: germline.
Comment: This sequence change replaces threonine, which is neutral and polar, with alanine, which is neutral and non-polar, at codon 103 of the DES protein (p.Thr103Ala). This variant is present in population databases (no rsID available, gnomAD 0.002%). This variant has not been reported in the literature in individuals affected with DES-related conditions. Advanced modeling of protein sequence and biophysical properties (such as structural, functional, and spatial information, amino acid conservation, physicochemical variation, residue mobility, and thermodynamic stability) performed at Invitae indicates that this missense variant is not expected to disrupt DES protein function with a negative predictive value of 80%. In summary, the available evidence is currently insufficient to determine the role of this variant in disease. Therefore, it has been classified as a Variant of Uncertain Significance.

NM_001927.4(DES):c.307A>G (p.Thr103Ala)

Gene: DES (desmin; plus strand). Cytogenetic location: 2q35.
Variant type: single nucleotide variant.
Coding change: c.307A>G on transcript NM_001927.4 (MANE Select); coding-DNA position 307, A replaced by G.
Protein change: p.Thr103Ala; replaces threonine 103 with alanine.
Molecular consequence: missense variant.
Genome position (GRCh38, 1-based): chr2:219,418,769, A>G. VCF-style: chr2-219418769-A-G. GRCh37 (hg19) VCF-style: chr2-220283491-A-G.
Other names: c.307A>G, p.Thr103Ala (NM_001382708.1, NM_001382709.1, NM_001382710.1 and 3 more transcripts); short protein forms T103A.
Identifiers: ClinVar variation 3751714 (VCV003751714.2).